The following is an entry in ClinVar:

ClinVar aggregate classification (germline): Uncertain significance. Review status: criteria provided, multiple submitters, no conflicts (2 of 4 stars). 2 submissions from 2 submitters: Uncertain significance (2). Last evaluated 2025-07-27.

Conditions:
Aortic aneurysm, familial thoracic 4 (AAT4). Also called: AORTIC ANEURYSM/AORTIC DISSECTION AND PATENT DUCTUS ARTERIOSUS. Identifiers: MedGen C1851504, MONDO:0007568, OMIM 132900.
Familial thoracic aortic aneurysm and aortic dissection (TAAD). Also called: Thoracic aortic aneurysms and dissections. Identifiers: Orphanet 91387, MedGen C4707243, MONDO:0019625.

Submissions (2):

Labcorp Genetics (formerly Invitae), Labcorp
Classification: Uncertain significance for Aortic aneurysm, familial thoracic 4. Last evaluated: 2025-07-27. Review status: criteria provided, single submitter. Criteria: Invitae Variant Classification Sherloc (09022015). Collection method: clinical testing. Allele origin: germline.
Comment: This sequence change replaces proline, which is neutral and non-polar, with serine, which is neutral and polar, at codon 214 of the MYH11 protein (p.Pro214Ser). This variant is not present in population databases (gnomAD no frequency). This variant has not been reported in the literature in individuals affected with MYH11-related conditions. ClinVar contains an entry for this variant (Variation ID: 3072231). An algorithm developed to predict the effect of missense changes on protein structure and function (PolyPhen-2) suggests that this variant is likely to be tolerated. In summary, the available evidence is currently insufficient to determine the role of this variant in disease. Therefore, it has been classified as a Variant of Uncertain Significance.

All of Us Research Program, National Institutes of Health
Classification: Uncertain significance for Familial thoracic aortic aneurysm and aortic dissection. Last evaluated: 2023-06-26. Review status: criteria provided, single submitter. Criteria: ACMG Guidelines, 2015. Collection method: clinical testing. Allele origin: germline. Inheritance: Autosomal dominant inheritance. Observed: 1 variant allele, 1 heterozygote.
Comment: This missense variant replaces proline with serine at codon 214 of the MYH11 protein. Computational prediction suggests that this variant may not impact protein structure and function (internally defined REVEL score threshold <= 0.5, PMID: 27666373). To our knowledge, functional studies have not been reported for this variant. This variant has not been reported in individuals affected with MYH11-related disorders in the literature. This variant has not been identified in the general population by the Genome Aggregation Database (gnomAD). The available evidence is insufficient to determine the role of this variant in disease conclusively. Therefore, this variant is classified as a Variant of Uncertain Significance.

This study involves interpretation of variants in research participants for the purpose of population health screening. Participant phenotype was not available at the time of variant classification. Additional details can be found in publication PMID: 35346344, PMCID: PMC8962531

NM_001040113.2(MYH11):c.640C>T (p.Pro214Ser)

Gene: MYH11 (myosin heavy chain 11; minus strand). Cytogenetic location: 16p13.11.
Variant type: single nucleotide variant.
Coding change: c.640C>T on transcript NM_001040113.2 (MANE Plus Clinical); coding-DNA position 640, C replaced by T.
Protein change: p.Pro214Ser; replaces proline 214 with serine.
Molecular consequence: missense variant. On other transcripts: intron variant (2).
Genome position (GRCh38, 1-based): chr16:15,784,712, G>A on the plus strand (C>T on the coding strand, the complement: MYH11 is on the minus strand). VCF-style: chr16-15784712-G-A. GRCh37 (hg19) VCF-style: chr16-15878569-G-A.
Other names: c.640C>T, p.Pro214Ser (NM_001040114.2); c.633+1918C>T (NM_002474.3, NM_022844.3); short protein forms P214S.
Identifiers: ClinVar variation 3072231 (VCV003072231.2), dbSNP rs2506635616, ClinGen allele CA394872448.